The following is an entry in ClinVar:

ClinVar aggregate classification (germline): Uncertain significance. Review status: criteria provided, multiple submitters, no conflicts (2 of 4 stars). 2 submissions from 2 submitters: Uncertain significance (2). Last evaluated 2024-03-25.

Conditions:
Inborn genetic diseases. Identifiers: MedGen C0950123, MeSH D030342.

Allele frequency attached by ClinVar (database versions not stated): gnomAD exomes 0.00002; ExAC 0.00006; ESP Exome Variant Server 0.00009; 1000 Genomes Project 30x 0.00016; 1000 Genomes Project 0.00020; TOPMed 0.00023; gnomAD 0.00028.

Submissions (2):

Ambry Genetics
Classification: Uncertain significance for Inborn genetic diseases. Last evaluated: 2024-03-25. Review status: criteria provided, single submitter. Criteria: Ambry Variant Classification Scheme 2023. Collection method: clinical testing. Allele origin: germline.

Labcorp Genetics (formerly Invitae), Labcorp
Classification: Uncertain significance. Last evaluated: 2022-02-28. Review status: criteria provided, single submitter. Criteria: Invitae Variant Classification Sherloc (09022015). Collection method: clinical testing. Allele origin: germline.
Comment: This sequence change replaces histidine, which is basic and polar, with aspartic acid, which is acidic and polar, at codon 2275 of the SPEG protein (p.His2275Asp). This variant is present in population databases (rs367818033, gnomAD 0.09%). This variant has not been reported in the literature in individuals affected with SPEG-related conditions. Algorithms developed to predict the effect of missense changes on protein structure and function are either unavailable or do not agree on the potential impact of this missense change (SIFT: "Deleterious"; PolyPhen-2: "Benign"; Align-GVGD: "Class C0"). In summary, the available evidence is currently insufficient to determine the role of this variant in disease. Therefore, it has been classified as a Variant of Uncertain Significance.

NM_005876.5(SPEG):c.6823C>G (p.His2275Asp)

Genes: ASIC4-AS1 (ASIC4 antisense RNA 1; minus strand), SPEG (striated muscle enriched protein kinase; plus strand). Cytogenetic location: 2q35.
Variant type: single nucleotide variant.
Coding change: c.6823C>G on transcript NM_005876.5 (MANE Select); coding-DNA position 6823, C replaced by G.
Protein change: p.His2275Asp; replaces histidine 2275 with aspartic acid.
Molecular consequence: missense variant.
Genome position (GRCh38, 1-based): chr2:219,484,286, C>G. VCF-style: chr2-219484286-C-G. GRCh37 (hg19) VCF-style: chr2-220349008-C-G.
Other names: c.6823C>G (NM_005876.4); short protein forms H2275D.
Identifiers: ClinVar variation 2050423 (VCV002050423.2), dbSNP rs367818033, ClinGen allele CA2127129.